The following is an entry in ClinVar:

NM_000147.5(FUCA1):c.1378A>G (p.Ile460Val)

Gene: FUCA1 (alpha-L-fucosidase 1; minus strand). Cytogenetic location: 1p36.11.
Variant type: single nucleotide variant.
Coding change: c.1378A>G on transcript NM_000147.5 (MANE Select); coding-DNA position 1378, A replaced by G.
Protein change: p.Ile460Val; replaces isoleucine 460 with valine.
Molecular consequence: missense variant.
Genome position (GRCh38, 1-based): chr1:23,845,738, T>C on the plus strand (A>G on the coding strand, the complement: FUCA1 is on the minus strand). VCF-style: chr1-23845738-T-C. GRCh37 (hg19) VCF-style: chr1-24172228-T-C.
Other names: c.1378A>G (NM_000147.4); short protein forms I460V.
Identifiers: ClinVar variation 1408507 (VCV001408507.8), dbSNP rs774128532, ClinGen allele CA686265.

ClinVar aggregate classification (germline): Uncertain significance. Review status: criteria provided, multiple submitters, no conflicts (2 of 4 stars). 2 submissions from 2 submitters: Uncertain significance (2). Last evaluated 2023-12-18.

Conditions:
Fucosidosis. Also called: ALPHA-L-FUCOSIDASE DEFICIENCY. Identifiers: Orphanet 349, MedGen C0016788, MONDO:0009254, OMIM 230000.
Inborn genetic diseases. Identifiers: MedGen C0950123, MeSH D030342.

Allele frequency attached by ClinVar (database versions not stated): gnomAD exomes below 0.00001 and 0.00001; ExAC 0.00001.
gnomAD v4.1: 1 of 1,614,230 alleles (0.000062%); highest among the groups gnomAD compares: Non-Finnish European, 0.000085%; no homozygotes.

Submissions (2):

Ambry Genetics
Classification: Uncertain significance for Inborn genetic diseases. Last evaluated: 2023-12-18. Review status: criteria provided, single submitter. Criteria: Ambry Variant Classification Scheme 2023. Collection method: clinical testing. Allele origin: germline.

Labcorp Genetics (formerly Invitae), Labcorp
Classification: Uncertain significance for Fucosidosis. Last evaluated: 2021-12-09. Review status: criteria provided, single submitter. Criteria: Invitae Variant Classification Sherloc (09022015). Collection method: clinical testing. Allele origin: germline.
Comment: This sequence change replaces isoleucine, which is neutral and non-polar, with valine, which is neutral and non-polar, at codon 460 of the FUCA1 protein (p.Ile460Val). This variant is present in population databases (rs774128532, gnomAD 0.006%). This variant has not been reported in the literature in individuals affected with FUCA1-related conditions. Algorithms developed to predict the effect of missense changes on protein structure and function output the following: SIFT: "Tolerated"; PolyPhen-2: "Benign"; Align-GVGD: "Class C0". The valine amino acid residue is found in multiple mammalian species, which suggests that this missense change does not adversely affect protein function. In summary, the available evidence is currently insufficient to determine the role of this variant in disease. Therefore, it has been classified as a Variant of Uncertain Significance.